The following is an entry in ClinVar:

NM_000666.3(ACY1):c.480_493dup (p.His165fs)

Genes: ABHD14A-ACY1 (ABHD14A-ACY1 readthrough; plus strand), ACY1 (aminoacylase 1; plus strand). Cytogenetic location: 3p21.2.
Variant type: Duplication.
Coding change: c.480_493dup on transcript NM_000666.3 (MANE Select); coding-DNA positions 480 to 493, 14 bases duplicated (GCGGCCTGAGTTCC).
Protein change: p.His165fs; shifts the reading frame from histidine 165.
Molecular consequence: frameshift variant. On other transcripts: intron variant (1).
Genome position (GRCh38, 1-based): chr3:51,986,458-51,986,471, GCGGCCTGAGTTCC duplicated. VCF-style (leftmost placement, unchanged base first): chr3-51986457-A-AGCGGCCTGAGTTCC. GRCh37 (hg19) VCF-style: chr3-52020473-A-AGCGGCCTGAGTTCC.
Other names: c.750_763dup, p.His255fs (NM_001316331.2); c.480_493dup, p.His165fs (NM_001198895.2, NM_001198897.2); c.375_388dup, p.His130fs (NM_001198898.2); c.311-147_311-134dup (NM_001198896.2); c.480_493dup14 (NM_000666.3); short protein forms H130fs, H165fs, H255fs.
Identifiers: ClinVar variation 1335986 (VCV001335986.6), dbSNP rs769746453, ClinGen allele CA2428500.

ClinVar aggregate classification (germline): Conflicting classifications of pathogenicity. Review status: criteria provided, conflicting classifications (1 of 4 stars). 3 submissions from 3 submitters: Pathogenic (1); Likely pathogenic (1); Uncertain significance (1). Last evaluated 2025-09-04.

Conditions:
Aminoacylase 1 deficiency. Also called: Neurological conditions associated with aminoacylase 1 deficiency. Identifiers: Orphanet 137754, MedGen C1835922, MONDO:0012368, OMIM 609924.

Allele frequency attached by ClinVar (database versions not stated): gnomAD exomes 0.00001 and 0.00005; ExAC 0.00007; gnomAD 0.00011.

Submissions (3):

Women's Health and Genetics/Laboratory Corporation of America, LabCorp
Classification: Pathogenic for Aminoacylase 1 deficiency. Last evaluated: 2025-09-04. Review status: criteria provided, single submitter. Criteria: LabCorp Variant Classification Summary - May 2015. Collection method: clinical testing. Allele origin: germline.
Comment: Variant summary: ACY1 c.480_493dup14 (p.His165ArgfsX8) results in a premature termination codon, predicted to cause a truncation of the encoded protein or absence of the protein due to nonsense mediated decay, which are commonly known mechanisms for disease. The variant allele was found at a frequency of 5.2e-05 in 249728 control chromosomes. This frequency is not significantly higher than estimated for disease-causing variants in ACY1, allowing no conclusion about variant significance. To our knowledge, no occurrence of c.480_493dup14 in individuals affected with ACY1-related conditions and no experimental evidence demonstrating its impact on protein function have been reported. ClinVar contains an entry for this variant (Variation ID: 1335986). Based on the evidence outlined above, the variant was classified as pathogenic.

GeneDx
Classification: Uncertain significance. Last evaluated: 2023-02-06. Review status: criteria provided, single submitter. Criteria: GeneDx Variant Classification Process June 2021. Collection method: clinical testing. Allele origin: germline. Affected: yes.
Comment: Frameshift variant predicted to result in protein truncation or nonsense mediated decay in a gene for which loss of function is a known mechanism of disease; Has not been previously published as pathogenic or benign to our knowledge

Genetic Services Laboratory, University of Chicago
Classification: Likely pathogenic. Last evaluated: 2021-12-21. Review status: criteria provided, single submitter. Criteria: ACMG Guidelines, 2015. Collection method: clinical testing. Allele origin: germline. Affected: yes.
Comment: This pathogenic sequence change results in an amino acid frameshift and creates a premature stop codon 7 amino acids downstream of the change, p.His165Argfs*8. This sequence change is predicted to result in an abnormal transcript, which may be degraded, or may lead to the production of a truncated ACY1 protein with potentially abnormal function. This deletion does not appear to have been previously described in individuals with ACY1 -related disorders. This sequence change has been described in the gnomAD database with a frequency of 0.064% in the African subpopulation (dbSNP rs769746453).